The following is an entry in ClinVar:

ClinVar aggregate classification (germline): Uncertain significance. Review status: criteria provided, multiple submitters, no conflicts (2 of 4 stars). 3 submissions from 3 submitters: Uncertain significance (3). Last evaluated 2024-08-01.

Conditions:
Hereditary spastic paraplegia 11. Also called: Nakamura Osame syndrome; Autosomal recessive hereditary spastic paraplegia, mental impairment, and thin corpus callosum; Spastic paraplegia, mental retardation and thin corpus callosum; Spastic Paraplegia 11; SPASTIC PARAPLEGIA, AUTOSOMAL RECESSIVE, COMPLICATED, WITH THIN CORPUS CALLOSUM; SPASTIC PARAPLEGIA, AUTOSOMAL RECESSIVE, WITH MENTAL IMPAIRMENT AND THIN CORPUS CALLOSUM. Identifiers: Orphanet 2822, MedGen C1858479, MONDO:0011445, OMIM 604360.

Allele frequency attached by ClinVar (database versions not stated): ExAC 0.00001; gnomAD 0.00001; gnomAD exomes 0.00001.
gnomAD v4.1: 25 of 1,614,168 alleles (0.0015%); highest among the groups gnomAD compares: South Asian, 0.0022%; no homozygotes.

Submissions (3):

CeGaT Center for Human Genetics Tuebingen
Classification: Uncertain significance. Last evaluated: 2024-08-01. Review status: criteria provided, single submitter. Criteria: CeGaT Center For Human Genetics Tuebingen Variant Classification Criteria Version 2. Collection method: clinical testing. Allele origin: germline. Affected: yes. Observed: 1 variant allele.
Comment: SPG11: PM2, BP4

Blueprint Genetics
Classification: Uncertain significance. Last evaluated: 2023-05-23. Review status: criteria provided, single submitter. Criteria: ACMG Guidelines, 2015. Collection method: clinical testing. Allele origin: germline.

Labcorp Genetics (formerly Invitae), Labcorp
Classification: Uncertain significance for Hereditary spastic paraplegia 11. Last evaluated: 2022-03-02. Review status: criteria provided, single submitter. Criteria: Invitae Variant Classification Sherloc (09022015). Collection method: clinical testing. Allele origin: germline.
Comment: This sequence change replaces arginine, which is basic and polar, with tryptophan, which is neutral and slightly polar, at codon 2021 of the SPG11 protein (p.Arg2021Trp). This variant is present in population databases (rs777943276, gnomAD 0.004%). This variant has not been reported in the literature in individuals affected with SPG11-related conditions. ClinVar contains an entry for this variant (Variation ID: 949841). Algorithms developed to predict the effect of missense changes on protein structure and function are either unavailable or do not agree on the potential impact of this missense change (SIFT: "Deleterious"; PolyPhen-2: "Benign"; Align-GVGD: "Class C15"). In summary, the available evidence is currently insufficient to determine the role of this variant in disease. Therefore, it has been classified as a Variant of Uncertain Significance.

NM_025137.4(SPG11):c.6061C>T (p.Arg2021Trp)

Gene: SPG11 (SPG11 vesicle trafficking associated, spatacsin; minus strand). Cytogenetic location: 15q21.1.
Variant type: single nucleotide variant.
Coding change: c.6061C>T on transcript NM_025137.4 (MANE Select); coding-DNA position 6061, C replaced by T.
Protein change: p.Arg2021Trp; replaces arginine 2021 with tryptophan.
Molecular consequence: missense variant. On other transcripts: intron variant (1).
Genome position (GRCh38, 1-based): chr15:44,573,691, G>A on the plus strand (C>T on the coding strand, the complement: SPG11 is on the minus strand). VCF-style: chr15-44573691-G-A. GRCh37 (hg19) VCF-style: chr15-44865889-G-A.
Other names: c.5867-871C>T (NM_001160227.2); short protein forms R2021W.
Identifiers: ClinVar variation 949841 (VCV000949841.24), dbSNP rs777943276, ClinGen allele CA7534268.